The following is an entry in ClinVar:

NM_004984.4(KIF5A):c.2030_2031del (p.Val677fs)

Gene: KIF5A (kinesin family member 5A; plus strand). Cytogenetic location: 12q13.3.
Variant type: Microsatellite.
Coding change: c.2030_2031del on transcript NM_004984.4 (MANE Select); coding-DNA positions 2030 to 2031, 2 bases deleted (TG; older notation c.2030_2031delTG).
Protein change: p.Val677fs; shifts the reading frame from valine 677.
Molecular consequence: frameshift variant.
Genome position (GRCh38, 1-based): chr12:57,576,093-57,576,094, TG deleted; deleting any 2 consecutive bases within chr12:57,576,091-57,576,094 gives the same sequence; the c. name uses the placement nearest the transcript's 3' end. VCF-style (leftmost placement, unchanged base first): chr12-57576090-CTG-C. GRCh37 (hg19) VCF-style: chr12-57969873-CTG-C.
Other names: c.1763_1764del, p.Val588fs (NM_001354705.2); short protein forms V677fs, V588fs.
Identifiers: ClinVar variation 2836802 (VCV002836802.3), dbSNP rs2540509221, ClinGen allele CA2739272121.
Genomic context (GRCh38, chr12:57,576,090, plus strand): 5'-AAGTTCTTTCCGAAAGAGGTAGGTTTGATGTCAGCTGTCTTCCCCTCTTTCCCTTAGAAA[CTG>C]TGCATGAAGTGGCCCTGAAGGACAAGGAGCCTGACACTCAGGATGCAGATGAAGTGAAGG-3'

ClinVar aggregate classification (germline): Pathogenic (1 of 4 stars; one submission).

Conditions:
Spastic paraplegia. Identifiers: MedGen C0037772, HP:0001258.

Submission:

Labcorp Genetics (formerly Invitae), Labcorp
Classification: Pathogenic for Spastic paraplegia. Last evaluated: 2023-02-13. Review status: criteria provided, single submitter. Criteria: Invitae Variant Classification Sherloc (09022015). Collection method: clinical testing. Allele origin: germline.
Comment: This variant is not present in population databases (gnomAD no frequency). This sequence change creates a premature translational stop signal (p.Val677Alafs*2) in the KIF5A gene. It is expected to result in an absent or disrupted protein product. Loss-of-function variants in KIF5A are known to be pathogenic (PMID: 26374131). This variant has not been reported in the literature in individuals affected with KIF5A-related conditions. For these reasons, this variant has been classified as Pathogenic.

Literature cited by the submitters: PubMed 26374131.